The following is an entry in ClinVar:

ClinVar aggregate classification (germline): Conflicting classifications of pathogenicity. Review status: criteria provided, conflicting classifications (1 of 4 stars). 3 submissions from 3 submitters: Uncertain significance (2); Likely benign (1). Last evaluated 2025-12-10.

Allele frequency attached by ClinVar (database versions not stated): ExAC 0.00002; gnomAD exomes 0.00002; gnomAD 0.00004; TOPMed 0.00009.
gnomAD v4.1: 34 of 1,612,454 alleles (0.0021%); highest among the groups gnomAD compares: African/African-American, 0.019%; no homozygotes.

Submissions (3):

Labcorp Genetics (formerly Invitae), Labcorp
Classification: Uncertain significance. Last evaluated: 2025-12-10. Review status: criteria provided, single submitter. Criteria: Invitae Variant Classification Sherloc (09022015). Collection method: clinical testing. Allele origin: germline.
Comment: This sequence change replaces arginine, which is basic and polar, with glutamine, which is neutral and polar, at codon 256 of the RNF43 protein (p.Arg256Gln). This variant is present in population databases (rs755996999, gnomAD 0.008%). This variant has not been reported in the literature in individuals affected with RNF43-related conditions. ClinVar contains an entry for this variant (Variation ID: 2185581). An algorithm developed to predict the effect of missense changes on protein structure and function outputs the following: PolyPhen-2: "Benign". The glutamine amino acid residue is found in multiple mammalian species, which suggests that this missense change does not adversely affect protein function. Algorithms developed to predict the effect of sequence changes on RNA splicing suggest that this variant may create or strengthen a splice site. In summary, the available evidence is currently insufficient to determine the role of this variant in disease. Therefore, it has been classified as a Variant of Uncertain Significance.

Ambry Genetics
Classification: Likely benign. Last evaluated: 2024-10-15. Review status: criteria provided, single submitter. Criteria: Ambry Variant Classification Scheme 2023. Collection method: clinical testing. Allele origin: germline.

GeneDx
Classification: Uncertain significance. Last evaluated: 2023-12-01. Review status: criteria provided, single submitter. Criteria: GeneDx Variant Classification Process June 2021. Collection method: clinical testing. Allele origin: germline. Affected: yes.
Comment: In silico analysis suggests this variant may impact gene splicing. In the absence of RNA/functional studies, the actual effect of this sequence change is unknown.; In silico analysis supports that this missense variant does not alter protein structure/function; Has not been previously published as pathogenic or benign to our knowledge; Variants in candidate genes are classified as variants of uncertain significance in accordance with ACMG guidelines (Richards et al., 2015)

NM_017763.6(RNF43):c.767G>A (p.Arg256Gln)

Gene: RNF43 (ring finger protein 43; minus strand). Cytogenetic location: 17q22.
Variant type: single nucleotide variant.
Coding change: c.767G>A on transcript NM_017763.6 (MANE Select); coding-DNA position 767, G replaced by A.
Protein change: p.Arg256Gln; replaces arginine 256 with glutamine.
Molecular consequence: missense variant.
Genome position (GRCh38, 1-based): chr17:58,360,865, C>T on the plus strand (G>A on the coding strand, the complement: RNF43 is on the minus strand). VCF-style: chr17-58360865-C-T. GRCh37 (hg19) VCF-style: chr17-56438226-C-T.
Other names: c.767G>A, p.Arg256Gln (NM_001305544.3); c.386G>A, p.Arg129Gln (NM_001305545.2); short protein forms R129Q, R256Q.
Identifiers: ClinVar variation 2185581 (VCV002185581.7), dbSNP rs755996999, ClinGen allele CA8673309.